The following is an entry in ClinVar:

NM_003900.5(SQSTM1):c.663G>A (p.Thr221=)

Gene: SQSTM1 (sequestosome 1; plus strand). Cytogenetic location: 5q35.3.
Variant type: single nucleotide variant.
Coding change: c.663G>A on transcript NM_003900.5 (MANE Select); coding-DNA position 663, G replaced by A.
Protein change: p.Thr221=; no amino-acid change (threonine 221 retained).
Molecular consequence: synonymous variant.
Genome position (GRCh38, 1-based): chr5:179,824,313, G>A. VCF-style: chr5-179824313-G-A. GRCh37 (hg19) VCF-style: chr5-179251313-G-A.
Other names: c.663G>A (NM_003900.4); c.411G>A, p.Thr137= (NM_001142298.2, NM_001142299.2).
Identifiers: ClinVar variation 999246 (VCV000999246.15), dbSNP rs758128093, ClinGen allele CA3600591.
Genomic context (GRCh38, chr5:179,824,313, plus strand): 5'-TCCACCAGGAAACTGGAGCCCACGTCCTCCTCGTGCAGGGGAGGCCCGCCCTGGCCCCAC[G>A]GCAGAATCAGGTGAGGCTTGTGTTGGAACCTGCTTCTGATTGGTGACAGTAGTCAGGCAG-3'
Protein context (NP_003891.1, residues 211-231): PRAGEARPGP[Thr221=]AESASGPSED

ClinVar aggregate classification (germline): Likely benign. Review status: criteria provided, multiple submitters, no conflicts (2 of 4 stars). 3 submissions from 3 submitters: Likely benign (2). 1 of the submissions does not count toward it. Last evaluated 2026-02-01.

Conditions:
Paget disease of bone 2, early-onset (PDB2). Also called: Paget disease of bone 2. Identifiers: MedGen C4085251, MONDO:0011183, OMIM 602080.
Frontotemporal dementia and/or amyotrophic lateral sclerosis 1 (FTDALS1). Also called: Frontotemporal dementia with motor neuron disease 1; C9orf72 Frontotemporal Dementia and/or Amyotrophic Lateral Sclerosis. Identifiers: Orphanet 275872, MedGen C5779877, MONDO:0007105, OMIM 105550.
SQSTM1-related disorder. Also called: SQSTM1-Related Disorders.

Allele frequency attached by ClinVar (database versions not stated): gnomAD 0.00001 and 0.00002; ExAC 0.00002; gnomAD exomes 0.00002 and 0.00004; TOPMed 0.00004.
gnomAD v4.1: 37 of 1,613,482 alleles (0.0023%); highest among the groups gnomAD compares: Non-Finnish European, 0.0029%; 1 homozygote.

Submissions (3):

Labcorp Genetics (formerly Invitae), Labcorp
Classification: Likely benign for Paget disease of bone 2, early-onset; Frontotemporal dementia and/or amyotrophic lateral sclerosis 1. Last evaluated: 2026-02-01. Review status: criteria provided, single submitter. Criteria: Invitae Variant Classification Sherloc (09022015). Collection method: clinical testing. Allele origin: germline.

CeGaT Center for Human Genetics Tuebingen
Classification: Likely benign. Last evaluated: 2025-10-01. Review status: criteria provided, single submitter. Criteria: CeGaT Center For Human Genetics Tuebingen Variant Classification Criteria Version 2. Collection method: clinical testing. Allele origin: germline. Affected: yes. Observed: 1 variant allele.
Comment: SQSTM1: BP4, BP7

PreventionGenetics, part of Exact Sciences
Classification: Likely benign for SQSTM1-related condition. Last evaluated: 2024-03-13. Review status: no assertion criteria provided. Collection method: clinical testing. Allele origin: germline. Not counted in ClinVar's aggregate classification.
Comment: This variant is classified as likely benign based on ACMG/AMP sequence variant interpretation guidelines (Richards et al. 2015 PMID: 25741868, with internal and published modifications).